The following is an entry in ClinVar:

NM_006208.3(ENPP1):c.*163C>T

Gene: ENPP1 (ectonucleotide pyrophosphatase/phosphodiesterase 1; plus strand). Cytogenetic location: 6q23.2.
Variant type: single nucleotide variant.
Coding change: c.*163C>T on transcript NM_006208.3 (MANE Select); 163 bases downstream of the stop codon, C replaced by T.
Molecular consequence: 3 prime UTR variant.
Genome position (GRCh38, 1-based): chr6:131,890,674, C>T. VCF-style: chr6-131890674-C-T. GRCh37 (hg19) VCF-style: chr6-132211814-C-T.
Identifiers: ClinVar variation 355359 (VCV000355359.8), dbSNP rs1044558, ClinGen allele CA10625937.

ClinVar aggregate classification (germline): Benign. Review status: criteria provided, multiple submitters, no conflicts (2 of 4 stars). 3 submissions from 2 submitters: Benign (3). Last evaluated 2018-08-30.

Conditions:
Hypophosphatemic rickets, autosomal recessive, 2 (ARHR2). Identifiers: Orphanet 289176, MedGen C2750078, MONDO:0013219, OMIM 613312.
Arterial calcification, generalized, of infancy, 1 (GACI1). Also called: Idiopathic Infantile Arterial Calcification. Identifiers: Orphanet 51608, MedGen C4551985, MONDO:0008817, OMIM 208000.

Allele frequency attached by ClinVar (database versions not stated): gnomAD 0.10959; 1000 Genomes Project 0.11621; 1000 Genomes Project 30x 0.12117; TOPMed 0.12987.

Submissions (3):

GeneDx
Classification: Benign. Last evaluated: 2018-08-30. Review status: criteria provided, single submitter. Criteria: GeneDx Variant Classification Process June 2021. Collection method: clinical testing. Allele origin: germline. Affected: yes.

Illumina Laboratory Services, Illumina
Classification: Benign for Arterial calcification, generalized, of infancy, 1. Last evaluated: 2018-01-13. Review status: criteria provided, single submitter. Criteria: ICSL Variant Classification Criteria 13 December 2019. Collection method: clinical testing. Allele origin: germline.
Comment: This variant was observed in the ICSL laboratory as part of a predisposition screen in an ostensibly healthy population. It had not been previously curated by ICSL or reported in the Human Gene Mutation Database (HGMD: prior to June 1st, 2018), and was therefore a candidate for classification through an automated scoring system. Utilizing variant allele frequency, disease prevalence and penetrance estimates, and inheritance mode, an automated score was calculated to assess if this variant is too frequent to cause the disease. Based on the score and internal cut-off values, a variant classified as benign is not then subjected to further curation. The score for this variant resulted in a classification of benign for this disease.

Illumina Laboratory Services, Illumina
Classification: Benign for Hypophosphatemic rickets, autosomal recessive, 2. Last evaluated: 2018-01-13. Review status: criteria provided, single submitter. Criteria: ICSL Variant Classification Criteria 13 December 2019. Collection method: clinical testing. Allele origin: germline.
Comment: the same text as in the submission from Illumina Laboratory Services, Illumina above.